The following is an entry in ClinVar:

ClinVar aggregate classification (germline): Uncertain significance (1 of 4 stars; one submission).

gnomAD v4.1: 4 of 1,613,674 alleles (0.00025%); highest among the groups gnomAD compares: Non-Finnish European, 0.00034%; no homozygotes.

Submission:

Labcorp Genetics (formerly Invitae), Labcorp
Classification: Uncertain significance. Last evaluated: 2023-10-29. Review status: criteria provided, single submitter. Criteria: Invitae Variant Classification Sherloc (09022015). Collection method: clinical testing. Allele origin: germline.
Comment: This sequence change replaces arginine, which is basic and polar, with glutamine, which is neutral and polar, at codon 1926 of the MYH3 protein (p.Arg1926Gln). This variant is not present in population databases (gnomAD no frequency). This variant has not been reported in the literature in individuals affected with MYH3-related conditions. Advanced modeling of protein sequence and biophysical properties (such as structural, functional, and spatial information, amino acid conservation, physicochemical variation, residue mobility, and thermodynamic stability) performed at Invitae indicates that this missense variant is not expected to disrupt MYH3 protein function with a negative predictive value of 95%. In summary, the available evidence is currently insufficient to determine the role of this variant in disease. Therefore, it has been classified as a Variant of Uncertain Significance.

NM_002470.4(MYH3):c.5777G>A (p.Arg1926Gln)

Gene: MYH3 (myosin heavy chain 3; minus strand). Cytogenetic location: 17p13.1.
Variant type: single nucleotide variant.
Coding change: c.5777G>A on transcript NM_002470.4 (MANE Select); coding-DNA position 5777, G replaced by A.
Protein change: p.Arg1926Gln; replaces arginine 1926 with glutamine.
Molecular consequence: missense variant.
Genome position (GRCh38, 1-based): chr17:10,629,616, C>T on the plus strand (G>A on the coding strand, the complement: MYH3 is on the minus strand). VCF-style: chr17-10629616-C-T. GRCh37 (hg19) VCF-style: chr17-10532933-C-T.
Other names: short protein forms R1926Q.
Identifiers: ClinVar variation 2807010 (VCV002807010.3), dbSNP rs2508558819, ClinGen allele CA398129124.